The following is an entry in ClinVar:

ClinVar aggregate classification (germline): Uncertain significance (1 of 4 stars; one submission).

Conditions:
Autosomal recessive ataxia, Beauce type. Also called: ATAXIA, RECESSIVE, OF BEAUCE; Spinocerebellar ataxia, autosomal recessive 8; SYNE1-Related Autosomal Recessive Cerebellar Ataxia; SYNE1 Deficiency. Identifiers: Orphanet 88644, MedGen C1853116, MONDO:0012549, OMIM 610743.
Emery-Dreifuss muscular dystrophy 4, autosomal dominant (EDMD4). Also called: EMERY-DREIFUSS MUSCULAR DYSTROPHY 4 WITH VARIABLE FEATURES. Identifiers: Orphanet 261, MedGen C2751807, MONDO:0013071, OMIM 612998.

Submission:

Labcorp Genetics (formerly Invitae), Labcorp
Classification: Uncertain significance for Emery-Dreifuss muscular dystrophy 4, autosomal dominant; Autosomal recessive ataxia, Beauce type. Last evaluated: 2021-07-19. Review status: criteria provided, single submitter. Criteria: Invitae Variant Classification Sherloc (09022015). Collection method: clinical testing. Allele origin: germline.
Comment: This sequence change replaces proline with arginine at codon 6266 of the SYNE1 protein (p.Pro6266Arg). The proline residue is highly conserved and there is a moderate physicochemical difference between proline and arginine. This variant is not present in population databases (ExAC no frequency). This variant has not been reported in the literature in individuals with SYNE1-related conditions. Algorithms developed to predict the effect of missense changes on protein structure and function are either unavailable or do not agree on the potential impact of this missense change (SIFT: "Tolerated"; PolyPhen-2: "Possibly Damaging"; Align-GVGD: "Class C0"). In summary, the available evidence is currently insufficient to determine the role of this variant in disease. Therefore, it has been classified as a Variant of Uncertain Significance.

NM_182961.4(SYNE1):c.19010C>G (p.Pro6337Arg)

Gene: SYNE1 (spectrin repeat containing nuclear envelope protein 1; minus strand). Cytogenetic location: 6q25.2.
Variant type: single nucleotide variant.
Coding change: c.19010C>G on transcript NM_182961.4 (MANE Select); coding-DNA position 19010, C replaced by G.
Protein change: p.Pro6337Arg; replaces proline 6337 with arginine.
Molecular consequence: missense variant.
Genome position (GRCh38, 1-based): chr6:152,256,728, G>C on the plus strand (C>G on the coding strand, the complement: SYNE1 is on the minus strand). VCF-style: chr6-152256728-G-C. GRCh37 (hg19) VCF-style: chr6-152577863-G-C.
Other names: c.18797C>G, p.Pro6266Arg (NM_033071.5); short protein forms P6266R, P6337R.
Identifiers: ClinVar variation 1015570 (VCV001015570.9), dbSNP rs2090949177, ClinGen allele CA366138793.